The following is an entry in ClinVar:

ClinVar aggregate classification (germline): Uncertain significance (1 of 4 stars; one submission).

Conditions:
Peroxisome biogenesis disorder. Identifiers: Orphanet 79189, MedGen C1832200, MONDO:0019234. Disease mechanism: loss of function.

gnomAD v4.1: 2 of 1,573,424 alleles (0.00013%); highest among the groups gnomAD compares: Non-Finnish European, 0.000086%; no homozygotes.

Submission:

Labcorp Genetics (formerly Invitae), Labcorp
Classification: Uncertain significance for Peroxisome biogenesis disorder. Last evaluated: 2022-06-20. Review status: criteria provided, single submitter. Criteria: Invitae Variant Classification Sherloc (09022015). Collection method: clinical testing. Allele origin: germline.
Comment: In summary, the available evidence is currently insufficient to determine the role of this variant in disease. Therefore, it has been classified as a Variant of Uncertain Significance. Algorithms developed to predict the effect of missense changes on protein structure and function are either unavailable or do not agree on the potential impact of this missense change (SIFT: "Tolerated"; PolyPhen-2: "Probably Damaging"; Align-GVGD: "Class C0"). This variant has not been reported in the literature in individuals affected with PEX6-related conditions. This variant is not present in population databases (gnomAD no frequency). This sequence change replaces proline, which is neutral and non-polar, with leucine, which is neutral and non-polar, at codon 11 of the PEX6 protein (p.Pro11Leu).

NM_000287.4(PEX6):c.32C>T (p.Pro11Leu)

Gene: PEX6 (peroxisomal biogenesis factor 6; minus strand). Cytogenetic location: 6p21.1.
Variant type: single nucleotide variant.
Coding change: c.32C>T on transcript NM_000287.4 (MANE Select); coding-DNA position 32, C replaced by T.
Protein change: p.Pro11Leu; replaces proline 11 with leucine.
Molecular consequence: missense variant. On other transcripts: non-coding transcript variant (1).
Genome position (GRCh38, 1-based): chr6:42,979,119, G>A on the plus strand (C>T on the coding strand, the complement: PEX6 is on the minus strand). VCF-style: chr6-42979119-G-A. GRCh37 (hg19) VCF-style: chr6-42946857-G-A.
Other names: c.32C>T, p.Pro11Leu (NM_001316313.2); short protein forms P11L.
Identifiers: ClinVar variation 1512527 (VCV001512527.8), dbSNP rs2150240912, ClinGen allele CA364169761.